The following is an entry in ClinVar:

NM_006420.3(ARFGEF2):c.2353A>G (p.Ser785Gly)

Gene: ARFGEF2 (ARF guanine nucleotide exchange factor 2; plus strand). Cytogenetic location: 20q13.13.
Variant type: single nucleotide variant.
Coding change: c.2353A>G on transcript NM_006420.3 (MANE Select); coding-DNA position 2353, A replaced by G.
Protein change: p.Ser785Gly; replaces serine 785 with glycine.
Molecular consequence: missense variant.
Genome position (GRCh38, 1-based): chr20:48,988,380, A>G. VCF-style: chr20-48988380-A-G. GRCh37 (hg19) VCF-style: chr20-47604917-A-G.
Other names: c.2350A>G, p.Ser784Gly (NM_001410846.1); short protein forms S784G, S785G.
Identifiers: ClinVar variation 1920286 (VCV001920286.5), dbSNP rs2515537428, ClinGen allele CA409305321.

ClinVar aggregate classification (germline): Uncertain significance (1 of 4 stars; one submission).

Allele frequency attached by ClinVar (database versions not stated): gnomAD exomes below 0.00001.
gnomAD v4.1: 1 of 1,613,712 alleles (0.000062%); highest among the groups gnomAD compares: Non-Finnish European, 0.000085%; no homozygotes.

Submission:

Labcorp Genetics (formerly Invitae), Labcorp
Classification: Uncertain significance. Last evaluated: 2022-07-02. Review status: criteria provided, single submitter. Criteria: Invitae Variant Classification Sherloc (09022015). Collection method: clinical testing. Allele origin: germline.
Comment: This sequence change replaces serine, which is neutral and polar, with glycine, which is neutral and non-polar, at codon 785 of the ARFGEF2 protein (p.Ser785Gly). This variant is not present in population databases (gnomAD no frequency). This variant has not been reported in the literature in individuals affected with ARFGEF2-related conditions. Algorithms developed to predict the effect of missense changes on protein structure and function are either unavailable or do not agree on the potential impact of this missense change (SIFT: "Deleterious"; PolyPhen-2: "Possibly Damaging"; Align-GVGD: "Class C0"). In summary, the available evidence is currently insufficient to determine the role of this variant in disease. Therefore, it has been classified as a Variant of Uncertain Significance.